The following is an entry in ClinVar:

ClinVar aggregate classification (germline): Uncertain significance (1 of 4 stars; one submission).

Submission:

GeneDx
Classification: Uncertain significance. Last evaluated: 2024-01-19. Review status: criteria provided, single submitter. Criteria: GeneDx Variant Classification Process June 2021. Collection method: clinical testing. Allele origin: germline. Affected: yes.
Comment: Not observed at significant frequency in large population cohorts (gnomAD); Canonical splice site variant in a gene or region of a gene for which loss of function is not a well-established mechanism of disease; Has not been previously published as pathogenic or benign to our knowledge

NM_001205293.3(CACNA1E):c.4330-1G>A

Gene: CACNA1E (calcium voltage-gated channel subunit alpha1 E; plus strand). Cytogenetic location: 1q25.3.
Variant type: single nucleotide variant.
Coding change: c.4330-1G>A on transcript NM_001205293.3 (MANE Select); the canonical splice acceptor site of the intron before coding-DNA position 4330, G replaced by A.
Molecular consequence: splice acceptor variant.
Genome position (GRCh38, 1-based): chr1:181,757,946, G>A. VCF-style: chr1-181757946-G-A. GRCh37 (hg19) VCF-style: chr1-181727082-G-A.
Other names: c.4330-1G>A (NM_000721.4); c.4273-1G>A (NM_001205294.2).
Identifiers: ClinVar variation 3368067 (VCV003368067.1).